The following is an entry in ClinVar:

ClinVar aggregate classification (germline): Uncertain significance. Review status: criteria provided, multiple submitters, no conflicts (2 of 4 stars). 2 submissions from 2 submitters: Uncertain significance (2). Last evaluated 2025-12-08.

Conditions:
Hereditary spastic paraplegia 4. Also called: Spastic Paraplegia 4; Familial spastic paraplegia autosomal dominant 2; Spastic paraplegia 4, autosomal dominant. Identifiers: Orphanet 100985, MedGen C1866855, MONDO:0008438, OMIM 182601.

Allele frequency attached by ClinVar (database versions not stated): TOPMed below 0.00001; gnomAD exomes 0.00001; ExAC 0.00002.

Submissions (2):

Labcorp Genetics (formerly Invitae), Labcorp
Classification: Uncertain significance for Hereditary spastic paraplegia 4. Last evaluated: 2025-12-08. Review status: criteria provided, single submitter. Criteria: Invitae Variant Classification Sherloc (09022015). Collection method: clinical testing. Allele origin: germline.
Comment: This sequence change replaces valine, which is neutral and non-polar, with isoleucine, which is neutral and non-polar, at codon 496 of the SPAST protein (p.Val496Ile). This variant is present in population databases (rs779662872, gnomAD 0.002%). This variant has not been reported in the literature in individuals affected with SPAST-related conditions. ClinVar contains an entry for this variant (Variation ID: 444493). Invitae Evidence Modeling of protein sequence and biophysical properties (such as structural, functional, and spatial information, amino acid conservation, physicochemical variation, residue mobility, and thermodynamic stability) indicates that this missense variant is not expected to disrupt SPAST protein function with a negative predictive value of 80%. In summary, the available evidence is currently insufficient to determine the role of this variant in disease. Therefore, it has been classified as a Variant of Uncertain Significance.

CeGaT Center for Human Genetics Tuebingen
Classification: Uncertain significance. Last evaluated: 2017-02-01. Review status: criteria provided, single submitter. Criteria: CeGaT Center For Human Genetics Tuebingen Variant Classification Criteria Version 2. Collection method: clinical testing. Allele origin: germline. Affected: yes. Observed: 1 variant allele.

NM_014946.4(SPAST):c.1486G>A (p.Val496Ile)

Gene: SPAST (spastin; plus strand). Cytogenetic location: 2p22.3.
Variant type: single nucleotide variant.
Coding change: c.1486G>A on transcript NM_014946.4 (MANE Select); coding-DNA position 1486, G replaced by A.
Protein change: p.Val496Ile; replaces valine 496 with isoleucine.
Molecular consequence: missense variant.
Genome position (GRCh38, 1-based): chr2:32,137,181, G>A. VCF-style: chr2-32137181-G-A. GRCh37 (hg19) VCF-style: chr2-32362250-G-A.
Other names: c.1483G>A, p.Val495Ile (NM_001363823.2); c.1387G>A, p.Val463Ile (NM_001363875.2); c.1390G>A, p.Val464Ile (NM_001377959.1, NM_199436.2); short protein forms V496I, V495I, V464I, V463I.
Identifiers: ClinVar variation 444493 (VCV000444493.44), dbSNP rs779662872, ClinGen allele CA1600903.